The following is an entry in ClinVar:

ClinVar aggregate classification (germline): Uncertain significance (1 of 4 stars; one submission).

gnomAD v4.1: 7 of 1,614,120 alleles (0.00043%); highest among the groups gnomAD compares: Non-Finnish European, 0.00059%; no homozygotes.

Submission:

Labcorp Genetics (formerly Invitae), Labcorp
Classification: Uncertain significance. Last evaluated: 2025-11-17. Review status: criteria provided, single submitter. Criteria: Invitae Variant Classification Sherloc (09022015). Collection method: clinical testing. Allele origin: germline.
Comment: This sequence change replaces proline, which is neutral and non-polar, with alanine, which is neutral and non-polar, at codon 611 of the DNM1L protein (p.Pro611Ala). This variant is not present in population databases (gnomAD no frequency). This variant has not been reported in the literature in individuals affected with DNM1L-related conditions. An algorithm developed to predict the effect of missense changes on protein structure and function (PolyPhen-2) suggests that this variant is likely to be tolerated. In summary, the available evidence is currently insufficient to determine the role of this variant in disease. Therefore, it has been classified as a Variant of Uncertain Significance.

NM_012062.5(DNM1L):c.1831C>G (p.Pro611Ala)

Gene: DNM1L (dynamin 1 like; plus strand). Cytogenetic location: 12p11.21.
Variant type: single nucleotide variant.
Coding change: c.1831C>G on transcript NM_012062.5 (MANE Select); coding-DNA position 1831, C replaced by G.
Protein change: p.Pro611Ala; replaces proline 611 with alanine.
Molecular consequence: missense variant.
Genome position (GRCh38, 1-based): chr12:32,740,187, C>G. VCF-style: chr12-32740187-C-G. GRCh37 (hg19) VCF-style: chr12-32893121-C-G.
Other names: c.1798C>G, p.Pro600Ala (NM_001278463.2); c.1870C>G, p.Pro624Ala (NM_001278464.2); c.1837C>G, p.Pro613Ala (NM_001278465.2); c.1222C>G, p.Pro408Ala (NM_001278466.2); c.1759C>G, p.Pro587Ala (NM_001330380.2); c.1720C>G, p.Pro574Ala (NM_005690.5); c.1753C>G, p.Pro585Ala (NM_012063.4); short protein forms P613A, P624A, P408A, P585A, P600A, P587A, P611A, P574A.
Identifiers: ClinVar variation 4729381 (VCV004729381.1).
Genomic context (GRCh38, chr12:32,740,187, plus strand): 5'-GGAATGCTGAAAACTTCAAAAGCTGAAGAGTTATTAGCAGAAGAAAAATCAAAACCCATT[C>G]CAATTATGCCAGCCAGTCCACAAAAAGGTCATGCCGTGAACCTGCTAGATGTGGTAAGCC-3'
Protein context (NP_036192.2, residues 601-621): LLAEEKSKPI[Pro611Ala]IMPASPQKGH